The following is an entry in ClinVar:

ClinVar aggregate classification (germline): Uncertain significance (1 of 4 stars; one submission).

Submission:

GeneDx
Classification: Uncertain significance. Last evaluated: 2024-06-05. Review status: criteria provided, single submitter. Criteria: GeneDx Variant Classification Process June 2021. Collection method: clinical testing. Allele origin: germline. Affected: yes.
Comment: Not observed at significant frequency in large population cohorts (gnomAD); In silico analysis indicates that this missense variant does not alter protein structure/function; Has not been previously published as pathogenic or benign to our knowledge

NM_014727.3(KMT2B):c.3084G>T (p.Leu1028Phe)

Gene: KMT2B (lysine methyltransferase 2B; plus strand). Cytogenetic location: 19q13.12.
Variant type: single nucleotide variant.
Coding change: c.3084G>T on transcript NM_014727.3 (MANE Select); coding-DNA position 3084, G replaced by T.
Protein change: p.Leu1028Phe; replaces leucine 1028 with phenylalanine.
Molecular consequence: missense variant.
Genome position (GRCh38, 1-based): chr19:35,723,757, G>T. VCF-style: chr19-35723757-G-T. GRCh37 (hg19) VCF-style: chr19-36214658-G-T.
Other names: short protein forms L1028F.
Identifiers: ClinVar variation 3384259 (VCV003384259.1).